The following is an entry in ClinVar:

ClinVar aggregate classification (germline): Uncertain significance (1 of 4 stars; one submission).

Submission:

Labcorp Genetics (formerly Invitae), Labcorp
Classification: Uncertain significance. Last evaluated: 2022-09-01. Review status: criteria provided, single submitter. Criteria: Invitae Variant Classification Sherloc (09022015). Collection method: clinical testing. Allele origin: germline.
Comment: In summary, the available evidence is currently insufficient to determine the role of this variant in disease. Therefore, it has been classified as a Variant of Uncertain Significance. Algorithms developed to predict the effect of missense changes on protein structure and function are either unavailable or do not agree on the potential impact of this missense change (SIFT: "Deleterious"; PolyPhen-2: "Probably Damaging"; Align-GVGD: "Class C0"). ClinVar contains an entry for this variant (Variation ID: 1471762). This variant has not been reported in the literature in individuals affected with LRIT3-related conditions. This variant is not present in population databases (gnomAD no frequency). This sequence change replaces tyrosine, which is neutral and polar, with aspartic acid, which is acidic and polar, at codon 78 of the LRIT3 protein (p.Tyr78Asp).

NM_198506.5(LRIT3):c.232T>G (p.Tyr78Asp)

Gene: LRIT3 (leucine rich repeat, Ig-like and transmembrane domains 3; plus strand). Cytogenetic location: 4q25.
Variant type: single nucleotide variant.
Coding change: c.232T>G on transcript NM_198506.5 (MANE Select); coding-DNA position 232, T replaced by G.
Protein change: p.Tyr78Asp; replaces tyrosine 78 with aspartic acid.
Molecular consequence: missense variant.
Genome position (GRCh38, 1-based): chr4:109,851,619, T>G. VCF-style: chr4-109851619-T-G. GRCh37 (hg19) VCF-style: chr4-110772775-T-G.
Other names: short protein forms Y78D.
Identifiers: ClinVar variation 1471762 (VCV001471762.6), dbSNP rs2125897125, ClinGen allele CA357871252.